The following is an entry in ClinVar:

NM_001875.5(CPS1):c.2083G>A (p.Gly695Ser)

Gene: CPS1 (carbamoyl-phosphate synthase 1; plus strand). Cytogenetic location: 2q34.
Variant type: single nucleotide variant.
Coding change: c.2083G>A on transcript NM_001875.5 (MANE Select); coding-DNA position 2083, G replaced by A.
Protein change: p.Gly695Ser; replaces glycine 695 with serine.
Molecular consequence: missense variant. On other transcripts: non-coding transcript variant (2).
Genome position (GRCh38, 1-based): chr2:210,606,832, G>A. VCF-style: chr2-210606832-G-A. GRCh37 (hg19) VCF-style: chr2-211471556-G-A.
Other names: c.2083G>A, p.Gly695Ser (NM_001122633.3, NM_001369257.1); c.2116G>A, p.Gly706Ser (NM_001369256.1); short protein forms G695S, G706S.
Identifiers: ClinVar variation 1980405 (VCV001980405.1), dbSNP rs1198244963, ClinGen allele CA350438992.

ClinVar aggregate classification (germline): Uncertain significance (1 of 4 stars; one submission).

Conditions:
Congenital hyperammonemia, type I. Also called: Carbamoyl-phosphate synthase I deficiency; Carbamoyl phosphate synthetase I deficiency disease; CPS I DEFICIENCY; Carbamoyl phosphate synthetase 1 deficiency; Hyperammonemia due to carbamoyl phosphate synthetase 1 deficiency; CPS 1 deficiency. Identifiers: Orphanet 147, MedGen C4082171, MONDO:0009376, OMIM 237300.

Allele frequency attached by ClinVar (database versions not stated): gnomAD exomes 0.00001.
gnomAD v4.1: 6 of 1,612,570 alleles (0.00037%); highest among the groups gnomAD compares: Non-Finnish European, 0.00051%; no homozygotes.

Submission:

Labcorp Genetics (formerly Invitae), Labcorp
Classification: Uncertain significance for Congenital hyperammonemia, type I. Last evaluated: 2022-10-05. Review status: criteria provided, single submitter. Criteria: Invitae Variant Classification Sherloc (09022015). Collection method: clinical testing. Allele origin: germline.
Comment: This sequence change replaces glycine, which is neutral and non-polar, with serine, which is neutral and polar, at codon 695 of the CPS1 protein (p.Gly695Ser). This variant is present in population databases (no rsID available, gnomAD 0.007%). This variant has not been reported in the literature in individuals affected with CPS1-related conditions. Advanced modeling of protein sequence and biophysical properties (such as structural, functional, and spatial information, amino acid conservation, physicochemical variation, residue mobility, and thermodynamic stability) performed at Invitae indicates that this missense variant is expected to disrupt CPS1 protein function. In summary, the available evidence is currently insufficient to determine the role of this variant in disease. Therefore, it has been classified as a Variant of Uncertain Significance.